The following is an entry in ClinVar:

ClinVar aggregate classification (germline): Pathogenic. Review status: criteria provided, multiple submitters, no conflicts (2 of 4 stars). 2 submissions from 2 submitters: Pathogenic (2). Last evaluated 2024-09-03.

Conditions:
ERCC2-related disorder. Also called: ERCC2-related disorders; ERCC2-related conditions; ERCC2-related condition. Identifiers: MedGen CN239291.

Submissions (2):

Myriad Genetics, Inc.
Classification: Pathogenic for ERCC2-related disorder. Last evaluated: 2024-09-03. Review status: criteria provided, single submitter. Criteria: Myriad Autosomal Dominant, Autosomal Recessive and X-Linked Classification Criteria (2023). Collection method: clinical testing. Allele origin: unknown.
Comment: NM_000400.3(ERCC2):c.1087C>T(Q363*) is expected to be pathogenic in the context of ERCC2-related disorders. This variant is predicted to lead to an abnormal or absent protein product due to the creation of a premature termination codon in ERCC2, a gene where loss-of-function variants are known to be pathogenic. Please note: this variant was assessed in the context of healthy population screening.

Labcorp Genetics (formerly Invitae), Labcorp
Classification: Pathogenic. Last evaluated: 2023-12-23. Review status: criteria provided, single submitter. Criteria: Invitae Variant Classification Sherloc (09022015). Collection method: clinical testing. Allele origin: germline.
Comment: This sequence change creates a premature translational stop signal (p.Gln363*) in the ERCC2 gene. It is expected to result in an absent or disrupted protein product. Loss-of-function variants in ERCC2 are known to be pathogenic (PMID: 9238033, 11335038, 19085937, 19934020). This variant is not present in population databases (gnomAD no frequency). This variant has not been reported in the literature in individuals affected with ERCC2-related conditions. For these reasons, this variant has been classified as Pathogenic.

Literature cited by the submitters: PubMed 9238033 (cited by Labcorp Genetics (formerly Invitae), Labcorp); PubMed 11335038 (cited by Labcorp Genetics (formerly Invitae), Labcorp); PubMed 19085937 (cited by Labcorp Genetics (formerly Invitae), Labcorp); PubMed 19934020 (cited by Labcorp Genetics (formerly Invitae), Labcorp).

NM_000400.4(ERCC2):c.1087C>T (p.Gln363Ter)

Gene: ERCC2 (ERCC excision repair 2, TFIIH core complex helicase subunit; minus strand). Cytogenetic location: 19q13.32.
Variant type: single nucleotide variant.
Coding change: c.1087C>T on transcript NM_000400.4 (MANE Select); coding-DNA position 1087, C replaced by T.
Protein change: p.Gln363Ter; replaces glutamine 363 with a stop codon.
Molecular consequence: nonsense.
Genome position (GRCh38, 1-based): chr19:45,363,774, G>A on the plus strand (C>T on the coding strand, the complement: ERCC2 is on the minus strand). VCF-style: chr19-45363774-G-A. GRCh37 (hg19) VCF-style: chr19-45867032-G-A.
Other names: c.1015C>T, p.Gln339Ter (NM_001130867.2); short protein forms Q339*, Q363*.
Identifiers: ClinVar variation 2705116 (VCV002705116.4), dbSNP rs2514028404, ClinGen allele CA406372172.